The following is an entry in ClinVar:

NM_001111125.3(IQSEC2):c.2168A>T (p.Glu723Val)

Gene: IQSEC2 (IQ motif and Sec7 domain ArfGEF 2; minus strand). Cytogenetic location: Xp11.22.
Variant type: single nucleotide variant.
Coding change: c.2168A>T on transcript NM_001111125.3 (MANE Select); coding-DNA position 2168, A replaced by T.
Protein change: p.Glu723Val; replaces glutamic acid 723 with valine.
Molecular consequence: missense variant.
Genome position (GRCh38, 1-based): chrX:53,250,408, T>A on the plus strand (A>T on the coding strand, the complement: IQSEC2 is on the minus strand). VCF-style: chrX-53250408-T-A. GRCh37 (hg19) VCF-style: chrX-53279590-T-A.
Other names: c.2168A>T, p.Glu723Val (NM_001410736.1, NM_001441092.1); c.1670A>T, p.Glu557Val (NM_001441093.1); c.1457A>T, p.Glu486Val (NM_001441094.1, NM_001441095.1); c.1553A>T, p.Glu518Val (NM_015075.2); short protein forms E486V, E518V, E557V, E723V.
Identifiers: ClinVar variation 4086662 (VCV004086662.1).

ClinVar aggregate classification (germline): Uncertain significance (1 of 4 stars; one submission).

Submission:

GeneDx
Classification: Uncertain significance. Last evaluated: 2025-03-19. Review status: criteria provided, single submitter. Criteria: GeneDx Variant Classification Process June 2021. Collection method: clinical testing. Allele origin: germline. Affected: yes.
Comment: Not observed at significant frequency in large population cohorts (gnomAD); In silico analysis supports that this missense variant has a deleterious effect on protein structure/function; Has not been previously published as pathogenic or benign to our knowledge